The following is an entry in ClinVar:

NM_000494.4(COL17A1):c.3955G>A (p.Gly1319Ser)

Gene: COL17A1 (collagen type XVII alpha 1 chain; minus strand). Cytogenetic location: 10q25.1.
Variant type: single nucleotide variant.
Coding change: c.3955G>A on transcript NM_000494.4 (MANE Select); coding-DNA position 3955, G replaced by A.
Protein change: p.Gly1319Ser; replaces glycine 1319 with serine.
Molecular consequence: missense variant.
Genome position (GRCh38, 1-based): chr10:104,034,146, C>T on the plus strand (G>A on the coding strand, the complement: COL17A1 is on the minus strand). VCF-style: chr10-104034146-C-T. GRCh37 (hg19) VCF-style: chr10-105793904-C-T.
Other names: short protein forms G1319S.
Identifiers: ClinVar variation 879942 (VCV000879942.5), dbSNP rs777099411, ClinGen allele CA5677752.

ClinVar aggregate classification (germline): Uncertain significance. Review status: criteria provided, multiple submitters, no conflicts (2 of 4 stars). 2 submissions from 2 submitters: Uncertain significance (2). Last evaluated 2025-12-03.

Conditions:
Junctional epidermolysis bullosa, non-Herlitz type. Also called: EPIDERMOLYSIS BULLOSA, JUNCTIONAL 1A, INTERMEDIATE; Adult junctional epidermolysis bullosa; EPIDERMOLYSIS BULLOSA JUNCTIONALIS, DISENTIS TYPE; EPIDERMOLYSIS BULLOSA JUNCTIONALIS, NON-HERLITZ TYPE; EPIDERMOLYSIS BULLOSA JUNCTIONALIS, PROGRESSIVE; EPIDERMOLYSIS BULLOSA JUNCTIONALIS, SEVERE NONLETHAL. Identifiers: Orphanet 251393, Orphanet 79402, Orphanet 79405, Orphanet 89840, MedGen C0268374, MONDO:0009180, OMIM 226650.

Allele frequency attached by ClinVar (database versions not stated): gnomAD exomes 0.00002 and 0.00010; gnomAD 0.00006 and 0.00007; ExAC 0.00014; TOPMed 0.00014.
gnomAD v4.1: 46 of 1,613,940 alleles (0.0029%); highest among the groups gnomAD compares: East Asian, 0.089%; no homozygotes.

Submissions (2):

Labcorp Genetics (formerly Invitae), Labcorp
Classification: Uncertain significance. Last evaluated: 2025-12-03. Review status: criteria provided, single submitter. Criteria: Invitae Variant Classification Sherloc (09022015). Collection method: clinical testing. Allele origin: germline.
Comment: This sequence change replaces glycine, which is neutral and non-polar, with serine, which is neutral and polar, at codon 1319 of the COL17A1 protein (p.Gly1319Ser). This variant is present in population databases (rs777099411, gnomAD 0.1%). This missense change has been observed in individual(s) with COL17A1-related conditions (PMID: 36287101). ClinVar contains an entry for this variant (Variation ID: 879942). Experimental studies and prediction algorithms are not available or were not evaluated, and the functional significance of this variant is currently unknown. In summary, the available evidence is currently insufficient to determine the role of this variant in disease. Therefore, it has been classified as a Variant of Uncertain Significance.

Illumina Laboratory Services, Illumina
Classification: Uncertain significance for Junctional epidermolysis bullosa, non-Herlitz type. Last evaluated: 2018-01-13. Review status: criteria provided, single submitter. Criteria: ICSL Variant Classification Criteria 13 December 2019. Collection method: clinical testing. Allele origin: germline.

Literature cited by the submitters: PubMed 36287101 (cited by Labcorp Genetics (formerly Invitae), Labcorp).